The following is an entry in ClinVar:

NM_000883.4(IMPDH1):c.505C>G (p.Leu169Val)

Gene: IMPDH1 (inosine monophosphate dehydrogenase 1; minus strand). Cytogenetic location: 7q32.1.
Variant type: single nucleotide variant.
Coding change: c.505C>G on transcript NM_000883.4 (MANE Select); coding-DNA position 505, C replaced by G.
Protein change: p.Leu169Val; replaces leucine 169 with valine.
Molecular consequence: missense variant. On other transcripts: intron variant (1).
Genome position (GRCh38, 1-based): chr7:128,400,891, G>C on the plus strand (C>G on the coding strand, the complement: IMPDH1 is on the minus strand). VCF-style: chr7-128400891-G-C. GRCh37 (hg19) VCF-style: chr7-128040945-G-C.
Other names: c.475C>G, p.Leu159Val (NM_001102605.2); c.250C>G, p.Leu84Val (NM_001142573.2, NM_001142574.2); c.406C>G, p.Leu136Val (NM_001142576.2); c.298C>G, p.Leu100Val (NM_001304521.2); c.397C>G, p.Leu133Val (NM_183243.3); c.249+124C>G (NM_001142575.2); short protein forms L100V, L133V, L159V, L84V, L136V, L169V.
Identifiers: ClinVar variation 846928 (VCV000846928.9), dbSNP rs1798287078, ClinGen allele CA369174234.

ClinVar aggregate classification (germline): Uncertain significance (1 of 4 stars; one submission).

Submission:

Labcorp Genetics (formerly Invitae), Labcorp
Classification: Uncertain significance. Last evaluated: 2022-02-10. Review status: criteria provided, single submitter. Criteria: Invitae Variant Classification Sherloc (09022015). Collection method: clinical testing. Allele origin: germline.
Comment: ClinVar contains an entry for this variant (Variation ID: 846928). Algorithms developed to predict the effect of missense changes on protein structure and function (SIFT, PolyPhen-2, Align-GVGD) all suggest that this variant is likely to be disruptive. Algorithms developed to predict the effect of sequence changes on RNA splicing suggest that this variant may create or strengthen a splice site. In summary, the available evidence is currently insufficient to determine the role of this variant in disease. Therefore, it has been classified as a Variant of Uncertain Significance. This sequence change replaces leucine, which is neutral and non-polar, with valine, which is neutral and non-polar, at codon 169 of the IMPDH1 protein (p.Leu169Val). This variant is not present in population databases (gnomAD no frequency). This variant has not been reported in the literature in individuals affected with IMPDH1-related conditions.